The following is an entry in ClinVar:

ClinVar aggregate classification (germline): Likely pathogenic (1 of 4 stars; one submission).

Conditions:
Sotos syndrome (SOTOS). Also called: SOTOS SYNDROME 1; CHROMOSOME 5q35 DELETION SYNDROME; CEREBRAL GIGANTISM; Sotos' syndrome; Distinctive facial appearance, overgrowth in childhood, and learning disabilities or delayed development. Identifiers: Orphanet 821, MedGen C0175695, MONDO:0019349, OMIM 117550.

Submission:

Faculty of Engineering and Natural Sciences, Biruni University
Classification: Likely pathogenic for Sotos syndrome. Last evaluated: 2023-08-19. Review status: criteria provided, single submitter. Criteria: ACMG Guidelines, 2015. Collection method: clinical testing. Allele origin: germline. Affected: yes. Observed: 1 variant allele.
Comment: With the c.70G>T missense change in NSD1 (NM_022455.5) gene, start loss occurs in the transcribed protein(PM5).Whether a missense or a splice site variant, computational prediction tools unanimously support a deleterious effect on the gene(PP3).There are no reports of this change in the gnomAD database, indicating that it is very low as a population frequency(PM2). It is expected to result in an disrupted protein product. Based on the evidence outlined above, the variant was classified as likely pathogenic.

Literature cited by the submitters: PubMed 38684994; PubMed 38150933; PubMed 22352460.

NM_022455.5(NSD1):c.70G>T (p.Ala24Ser)

Gene: NSD1 (nuclear receptor binding SET domain protein 1; plus strand). Cytogenetic location: 5q35.3.
Variant type: single nucleotide variant.
Coding change: c.70G>T on transcript NM_022455.5 (MANE Select); coding-DNA position 70, G replaced by T.
Protein change: p.Ala24Ser; replaces alanine 24 with serine.
Molecular consequence: missense variant. On other transcripts: 5 prime UTR variant (7).
Genome position (GRCh38, 1-based): chr5:177,135,173, G>T. VCF-style: chr5-177135173-G-T. GRCh37 (hg19) VCF-style: chr5-176562174-G-T.
Other names: c.-64G>T (NM_001365684.2, NM_001409305.1, NM_001409306.1 and 4 more transcripts); c.70G>T, p.Ala24Ser (NM_001409301.1, NM_001409302.1, NM_001409303.1 and 1 more transcripts); short protein forms A24S.
Identifiers: ClinVar variation 3341084 (VCV003341084.2).
Genomic context (GRCh38, chr5:177,135,173, plus strand): 5'-ACCTGTGAACTACCCAGAAGAAATTGTCTGCTGCCCTTTTCCAATCCAGTGAATTTAGAT[G>T]CCCCTGAAGACAAGGACAGCCCTTTCGGTAATGGTCAATCCAATTTTTCTGAGCCACTTA-3'
Protein context (NP_071900.2, residues 14-34): LPFSNPVNLD[Ala24Ser]PEDKDSPFGN